The following is an entry in ClinVar:

NM_000092.5(COL4A4):c.3439A>C (p.Met1147Leu)

Gene: COL4A4 (collagen type IV alpha 4 chain; minus strand). Cytogenetic location: 2q36.3.
Variant type: single nucleotide variant.
Coding change: c.3439A>C on transcript NM_000092.5 (MANE Select); coding-DNA position 3439, A replaced by C.
Protein change: p.Met1147Leu; replaces methionine 1147 with leucine.
Molecular consequence: missense variant.
Genome position (GRCh38, 1-based): chr2:227,042,214, T>G on the plus strand (A>C on the coding strand, the complement: COL4A4 is on the minus strand). VCF-style: chr2-227042214-T-G. GRCh37 (hg19) VCF-style: chr2-227906930-T-G.
Other names: short protein forms M1147L.
Identifiers: ClinVar variation 4727679 (VCV004727679.1).

ClinVar aggregate classification (germline): Uncertain significance (1 of 4 stars; one submission).

Submission:

Labcorp Genetics (formerly Invitae), Labcorp
Classification: Uncertain significance. Last evaluated: 2025-03-05. Review status: criteria provided, single submitter. Criteria: Invitae Variant Classification Sherloc (09022015). Collection method: clinical testing. Allele origin: germline.
Comment: This sequence change replaces methionine, which is neutral and non-polar, with leucine, which is neutral and non-polar, at codon 1147 of the COL4A4 protein (p.Met1147Leu). This variant is present in population databases (no rsID available, gnomAD 0.0009%). This variant has not been reported in the literature in individuals affected with COL4A4-related conditions. Invitae Evidence Modeling of protein sequence and biophysical properties (such as structural, functional, and spatial information, amino acid conservation, physicochemical variation, residue mobility, and thermodynamic stability) indicates that this missense variant is not expected to disrupt COL4A4 protein function with a negative predictive value of 95%. In summary, the available evidence is currently insufficient to determine the role of this variant in disease. Therefore, it has been classified as a Variant of Uncertain Significance.